The following is an entry in ClinVar:

ClinVar aggregate classification (germline): Uncertain significance. Review status: criteria provided, multiple submitters, no conflicts (2 of 4 stars). 2 submissions from 2 submitters: Uncertain significance (2). Last evaluated 2024-11-01.

Conditions:
D-2-hydroxyglutaric aciduria 2 (D2HGA2). Identifiers: Orphanet 79315, MedGen C3150909, MONDO:0013345, OMIM 613657.

Submissions (2):

Laboratorio de Genetica e Diagnostico Molecular, Hospital Israelita Albert Einstein
Classification: Uncertain significance for D-2-hydroxyglutaric aciduria 2. Last evaluated: 2024-11-01. Review status: criteria provided, single submitter. Criteria: ACMG Guidelines, 2015. Collection method: clinical testing. Allele origin: germline. Affected: yes.
Comment: ACMG classification criteria: PM2 supporting

Labcorp Genetics (formerly Invitae), Labcorp
Classification: Uncertain significance for D-2-hydroxyglutaric aciduria 2. Last evaluated: 2021-12-02. Review status: criteria provided, single submitter. Criteria: Invitae Variant Classification Sherloc (09022015). Collection method: clinical testing. Allele origin: germline.
Comment: Algorithms developed to predict the effect of sequence changes on RNA splicing suggest that this variant may disrupt the consensus splice site. This variant has not been reported in the literature in individuals affected with IDH2-related conditions. This variant is not present in population databases (gnomAD no frequency). This sequence change affects a donor splice site in intron 4 of the IDH2 gene. It is expected to disrupt RNA splicing. Variants that disrupt the donor or acceptor splice site typically lead to a loss of protein function (PMID: 16199547), however the current clinical and genetic evidence is not sufficient to establish whether loss-of-function variants in IDH2 cause disease. In summary, the available evidence is currently insufficient to determine the role of this variant in disease. Therefore, it has been classified as a Variant of Uncertain Significance.

Literature cited by the submitters: PubMed 16199547 (cited by Labcorp Genetics (formerly Invitae), Labcorp).

NM_002168.4(IDH2):c.534+2T>C

Gene: IDH2 (isocitrate dehydrogenase (NADP(+)) 2; minus strand). Cytogenetic location: 15q26.1.
Variant type: single nucleotide variant.
Coding change: c.534+2T>C on transcript NM_002168.4 (MANE Select); the canonical splice donor site of the intron after coding-DNA position 534, T replaced by C.
Molecular consequence: splice donor variant.
Genome position (GRCh38, 1-based): chr15:90,088,585, A>G on the plus strand (T>C on the coding strand, the complement: IDH2 is on the minus strand). VCF-style: chr15-90088585-A-G. GRCh37 (hg19) VCF-style: chr15-90631817-A-G.
Other names: c.144+2T>C (NM_001290114.2); c.378+2T>C (NM_001289910.1).
Identifiers: ClinVar variation 1380752 (VCV001380752.7), dbSNP rs2151549498, ClinGen allele CA393802190.